The following is an entry in ClinVar:

NM_001382567.1(STIM1):c.1688G>C (p.Arg563Pro)

Gene: STIM1 (stromal interaction molecule 1; plus strand). Cytogenetic location: 11p15.4.
Variant type: single nucleotide variant.
Coding change: c.1688G>C on transcript NM_001382567.1 (MANE Select); coding-DNA position 1688, G replaced by C.
Protein change: p.Arg563Pro; replaces arginine 563 with proline.
Molecular consequence: missense variant. On other transcripts: 3 prime UTR variant (4), non-coding transcript variant (3).
Genome position (GRCh38, 1-based): chr11:4,091,335, G>C. VCF-style: chr11-4091335-G-C. GRCh37 (hg19) VCF-style: chr11-4112565-G-C.
Other names: c.1913G>C, p.Arg638Pro (NM_001277961.3); c.*9G>C (NM_001277962.2, NM_001382578.1, NM_001382579.1 and 1 more transcripts); c.1691G>C, p.Arg564Pro (NM_001382566.1); c.1616G>C, p.Arg539Pro (NM_001382568.1); c.1460G>C, p.Arg487Pro (NM_001382569.1); c.1367G>C, p.Arg456Pro (NM_001382570.1); c.1115G>C, p.Arg372Pro (NM_001382571.1); c.1373G>C, p.Arg458Pro (NM_001382575.1, NM_001382576.1, NM_001382577.1); and 2 more; short protein forms R369P, R372P, R456P, R458P, R487P, R532P, R539P, R563P.
Identifiers: ClinVar variation 1016056 (VCV001016056.6), dbSNP rs771442242, ClinGen allele CA379196712.
Genomic context (GRCh38, chr11:4,091,335, plus strand): 5'-CTTGCAGGGATTTGACCCATTCCGATTCGGAGTCCTCCCTCCACATGAGTGACCGCCAGC[G>C]TGTGGCCCCCAAACCTCCTCAGATGAGCCGTGCTGCAGACGAGGCTCTCAATGCCATGAC-3'
Protein context (NP_001369496.1, residues 553-573): ESSLHMSDRQ[Arg563Pro]VAPKPPQMSR

ClinVar aggregate classification (germline): Uncertain significance (1 of 4 stars; one submission).

Conditions:
Combined immunodeficiency due to STIM1 deficiency. Also called: IMMUNODEFICIENCY 10; STIM1 DEFICIENCY. Identifiers: Orphanet 169090, Orphanet 317430, MedGen C2748557, MONDO:0013008, OMIM 612783.
Stormorken syndrome (STRMK). Also called: THROMBOCYTOPATHY, ASPLENIA, AND MIOSIS. Identifiers: Orphanet 3204, MedGen C1861451, MONDO:0008497, OMIM 185070.
Myopathy with tubular aggregates (TAM). Also called: Tubular Aggregate Myopathy. Identifiers: Orphanet 2593, MedGen C0410207, MONDO:0008051.

gnomAD v4.1: 7 of 1,614,052 alleles (0.00043%); highest among the groups gnomAD compares: Non-Finnish European, 0.00059%; no homozygotes.

Submission:

Labcorp Genetics (formerly Invitae), Labcorp
Classification: Uncertain significance for Myopathy with tubular aggregates; Combined immunodeficiency due to STIM1 deficiency; Stormorken syndrome. Last evaluated: 2021-09-08. Review status: criteria provided, single submitter. Criteria: Invitae Variant Classification Sherloc (09022015). Collection method: clinical testing. Allele origin: germline.
Comment: This sequence change replaces arginine with proline at codon 532 of the STIM1 protein (p.Arg532Pro). The arginine residue is highly conserved and there is a moderate physicochemical difference between arginine and proline. This variant is not present in population databases (ExAC no frequency). This variant has not been reported in the literature in individuals affected with STIM1-related conditions. Algorithms developed to predict the effect of missense changes on protein structure and function are either unavailable or do not agree on the potential impact of this missense change (SIFT: "Deleterious"; PolyPhen-2: "Benign"; Align-GVGD: "Class C0"). In summary, the available evidence is currently insufficient to determine the role of this variant in disease. Therefore, it has been classified as a Variant of Uncertain Significance.